The following is an entry in ClinVar:

ClinVar aggregate classification (germline): Uncertain significance. Review status: criteria provided, multiple submitters, no conflicts (2 of 4 stars). 3 submissions from 3 submitters: Uncertain significance (2). 1 of the submissions does not count toward it. Last evaluated 2025-03-03.

Conditions:
Retinal dystrophy. Also called: Inherited retinal dystrophy. Identifiers: Orphanet 71862, MedGen C0854723, MeSH D058499, MONDO:0019118, HP:0000556.
Inborn genetic diseases. Identifiers: MedGen C0950123, MeSH D030342.

gnomAD v4.1: 6 of 1,543,190 alleles (0.00039%); highest among the groups gnomAD compares: Admixed American, 0.002%; no homozygotes.

Submissions (3):

Ambry Genetics
Classification: Uncertain significance for Inborn genetic diseases. Last evaluated: 2025-03-03. Review status: criteria provided, single submitter. Criteria: Ambry Variant Classification Scheme 2023. Collection method: clinical testing. Allele origin: germline.

Labcorp Genetics (formerly Invitae), Labcorp
Classification: Uncertain significance. Last evaluated: 2024-11-27. Review status: criteria provided, single submitter. Criteria: Invitae Variant Classification Sherloc (09022015). Collection method: clinical testing. Allele origin: germline.
Comment: This sequence change replaces asparagine, which is neutral and polar, with lysine, which is basic and polar, at codon 22 of the C1QTNF5 protein (p.Asn22Lys). This variant is present in population databases (no rsID available, gnomAD 0.009%). This variant has not been reported in the literature in individuals affected with C1QTNF5-related conditions. ClinVar contains an entry for this variant (Variation ID: 1479221). An algorithm developed to predict the effect of missense changes on protein structure and function (PolyPhen-2) suggests that this variant is likely to be disruptive. In summary, the available evidence is currently insufficient to determine the role of this variant in disease. Therefore, it has been classified as a Variant of Uncertain Significance.

Institute of Human Genetics, Univ. Regensburg, Univ. Regensburg
Classification: Uncertain significance for Retinal dystrophy. Last evaluated: 2022-01-01. Review status: no assertion criteria provided. Criteria: ACMG Guidelines, 2015. Collection method: clinical testing. Allele origin: germline. Affected: yes. Not counted in ClinVar's aggregate classification.

NM_001278431.2(C1QTNF5):c.66C>G (p.Asn22Lys)

Genes: C1QTNF5 (C1q and TNF related 5; minus strand), MFRP (membrane frizzled-related protein; minus strand). Cytogenetic location: 11q23.3.
Variant type: single nucleotide variant.
Coding change: c.66C>G on transcript NM_001278431.2 (MANE Select); coding-DNA position 66, C replaced by G.
Protein change: p.Asn22Lys; replaces asparagine 22 with lysine.
Molecular consequence: missense variant. On other transcripts: 3 prime UTR variant (1).
Genome position (GRCh38, 1-based): chr11:119,340,332, G>C on the plus strand (C>G on the coding strand, the complement: C1QTNF5 is on the minus strand). VCF-style: chr11-119340332-G-C. GRCh37 (hg19) VCF-style: chr11-119211042-G-C.
Other names: c.66C>G, p.Asn22Lys (NM_015645.5); c.*962C>G (NM_031433.4); c.66C>G (NM_015645.3); short protein forms N22K.
Identifiers: ClinVar variation 1479221 (VCV001479221.8), dbSNP rs761587369, ClinGen allele CA382970976.